The following is an entry in ClinVar:

NM_001378414.1(HDAC4):c.636C>A (p.Asp212Glu)

Gene: HDAC4 (histone deacetylase 4; minus strand). Cytogenetic location: 2q37.3.
Variant type: single nucleotide variant.
Coding change: c.636C>A on transcript NM_001378414.1 (MANE Select); coding-DNA position 636, C replaced by A.
Protein change: p.Asp212Glu; replaces aspartic acid 212 with glutamic acid.
Molecular consequence: missense variant.
Genome position (GRCh38, 1-based): chr2:239,156,749, G>T on the plus strand (C>A on the coding strand, the complement: HDAC4 is on the minus strand). VCF-style: chr2-239156749-G-T. GRCh37 (hg19) VCF-style: chr2-240078445-G-T.
Other names: c.636C>A, p.Asp212Glu (NM_001378415.1, NM_001378416.1, NM_001378417.1 and 1 more transcripts); c.555C>A, p.Asp185Glu (NM_001435991.1, NM_001435992.1, NM_001435994.1 and 1 more transcripts); c.492C>A, p.Asp164Glu (NM_001435993.1); c.621C>A, p.Asp207Glu (NM_001435996.1); short protein forms D164E, D185E, D207E, D212E.
Identifiers: ClinVar variation 4540040 (VCV004540040.1).
Genomic context (GRCh38, chr2:239,156,749, plus strand): 5'-CATTCCCAGGACCGGGTGGTTATAGGAGGTCGACACTCCGCTCTGGGGTGGAGAACTCTG[G>T]TCAAGGGAACTGTGCTGCGTTTTCCTGGAGAGAAGGCAAAGACAGATGGTTTAGTTTACC-3'
Protein context (NP_001365343.1, residues 202-222): WYGKTQHSSL[Asp212Glu]QSSPPQSGVS

ClinVar aggregate classification (germline): Uncertain significance (1 of 4 stars; one submission).

Submission:

GeneDx
Classification: Uncertain significance. Last evaluated: 2025-06-11. Review status: criteria provided, single submitter. Criteria: GeneDx Variant Classification Process June 2021. Collection method: clinical testing. Allele origin: germline. Affected: yes.
Comment: Not observed at significant frequency in large population cohorts (gnomAD); In silico analysis suggests that this missense variant does not alter protein structure/function; In the absence of RNA/functional studies, the actual effect of this sequence change is unknown